The following is an entry in ClinVar:

NM_001029883.3(PCARE):c.1297C>T (p.Pro433Ser)

Gene: PCARE (photoreceptor cilium actin regulator; minus strand). Cytogenetic location: 2p23.2.
Variant type: single nucleotide variant.
Coding change: c.1297C>T on transcript NM_001029883.3 (MANE Select); coding-DNA position 1297, C replaced by T.
Protein change: p.Pro433Ser; replaces proline 433 with serine.
Molecular consequence: missense variant.
Genome position (GRCh38, 1-based): chr2:29,072,965, G>A on the plus strand (C>T on the coding strand, the complement: PCARE is on the minus strand). VCF-style: chr2-29072965-G-A. GRCh37 (hg19) VCF-style: chr2-29295831-G-A.
Other names: short protein forms P433S.
Identifiers: ClinVar variation 335664 (VCV000335664.62), dbSNP rs200696965, ClinGen allele CA1592458.

ClinVar aggregate classification (germline): Conflicting classifications of pathogenicity. Review status: criteria provided, conflicting classifications (1 of 4 stars). 9 submissions from 9 submitters: Uncertain significance (3); Benign (1); Likely benign (4). 1 of the submissions does not count toward it. Last evaluated 2026-01-27.

Conditions:
Retinitis pigmentosa 54 (RP54). Identifiers: Orphanet 791, MedGen C3150691, MONDO:0013263, OMIM 613428.
PCARE-related disorder. Also called: PCARE-related condition.
Retinitis pigmentosa (RP). Identifiers: Orphanet 791, MedGen C0035334, MeSH D012174, MONDO:0019200, OMIM 268000. Inheritance: Autosomal dominant, autosomal recessive and X linked inheritance.

Allele frequency attached by ClinVar (database versions not stated): gnomAD exomes 0.00036 and 0.00081; gnomAD 0.00041 and 0.00044; TOPMed 0.00044; ExAC 0.00067; ESP Exome Variant Server 0.00121.

Submissions (9):

Labcorp Genetics (formerly Invitae), Labcorp
Classification: Likely benign. Last evaluated: 2026-01-27. Review status: criteria provided, single submitter. Criteria: Invitae Variant Classification Sherloc (09022015). Collection method: clinical testing. Allele origin: germline.

Blueprint Genetics
Classification: Likely benign. Last evaluated: 2024-11-26. Review status: criteria provided, single submitter. Criteria: ACMG Guidelines, 2015. Collection method: clinical testing. Allele origin: germline.

CeGaT Center for Human Genetics Tuebingen
Classification: Benign. Last evaluated: 2024-03-01. Review status: criteria provided, single submitter. Criteria: CeGaT Center For Human Genetics Tuebingen Variant Classification Criteria Version 2. Collection method: clinical testing. Allele origin: germline. Affected: yes. Observed: 2 variant alleles.
Comment: PCARE: BS1, BS2

ARUP Laboratories, Molecular Genetics and Genomics, ARUP Laboratories
Classification: Likely benign. Last evaluated: 2019-06-05. Review status: criteria provided, single submitter. Criteria: ARUP Molecular Germline Variant Investigation Process. Collection method: clinical testing. Allele origin: germline.

Fulgent Genetics
Classification: Uncertain significance for Retinitis pigmentosa 54. Last evaluated: 2018-10-31. Review status: criteria provided, single submitter. Criteria: ACMG Guidelines, 2015. Collection method: clinical testing. Allele origin: unknown.

Eurofins Ntd Llc (ga)
Classification: Likely benign. Last evaluated: 2018-03-27. Review status: criteria provided, single submitter. Criteria: EGL ClinVar v180209 classification definitions. Collection method: clinical testing. Allele origin: germline. Observed: 1 variant allele, 1 heterozygote.

Illumina Laboratory Services, Illumina
Classification: Uncertain significance for Retinitis pigmentosa. Last evaluated: 2018-01-12. Review status: criteria provided, single submitter. Criteria: ICSL Variant Classification Criteria 13 December 2019. Collection method: clinical testing. Allele origin: germline.

GeneDx
Classification: Uncertain significance. Last evaluated: 2017-04-24. Review status: criteria provided, single submitter. Criteria: GeneDx Variant Classification (06012015). Collection method: clinical testing. Allele origin: germline. Affected: yes.
Comment: The P433S variant in the C2orf71 gene has not been reported previously as a pathogenic variant, nor as a benign variant, to our knowledge. The P433S variant is observed in 80/66,738 alleles (0.1%) from individuals of non-Finnish European background in the ExAC dataset, including two homozygous controls (Lek et al., 2016). The P433S variant is a non-conservative amino acid substitution, which is likely to impact secondary protein structure as these residues differ in polarity, charge, size and/or other properties. However, this substitution occurs at a position that is not conserved across species, and in silico analysis is inconsistent in its predictions as to whether or not the variant is damaging to the protein structure/function. We interpret P433S as a variant of uncertain significance.

PreventionGenetics, part of Exact Sciences
Classification: Benign for PCARE-related condition. Last evaluated: 2024-09-26. Review status: no assertion criteria provided. Collection method: clinical testing. Allele origin: germline. Not counted in ClinVar's aggregate classification.
Comment: This variant is classified as benign based on ACMG/AMP sequence variant interpretation guidelines (Richards et al. 2015 PMID: 25741868, with internal and published modifications).